The following is an entry in ClinVar:

ClinVar aggregate classification (germline): Uncertain significance (1 of 4 stars; one submission).

Conditions:
Arrhythmogenic right ventricular dysplasia 10. Also called: Arrhythmogenic right ventricular dysplasia/cardiomyopathy, type 10; Arrhythmogenic Right Ventricular Dysplasia/Cardiomyopathy10; ARRHYTHMOGENIC RIGHT VENTRICULAR DYSPLASIA, FAMILIAL, 10. Identifiers: MedGen C1857777, MONDO:0012434, OMIM 610193.

Submission:

Labcorp Genetics (formerly Invitae), Labcorp
Classification: Uncertain significance for Arrhythmogenic right ventricular dysplasia 10. Last evaluated: 2020-06-10. Review status: criteria provided, single submitter. Criteria: Invitae Variant Classification Sherloc (09022015). Collection method: clinical testing. Allele origin: germline.
Comment: In summary, the available evidence is currently insufficient to determine the role of this variant in disease. Therefore, it has been classified as a Variant of Uncertain Significance. Algorithms developed to predict the effect of missense changes on protein structure and function (SIFT, PolyPhen-2, Align-GVGD) all suggest that this variant is likely to be disruptive, but these predictions have not been confirmed by published functional studies and their clinical significance is uncertain. This variant has not been reported in the literature in individuals with DSG2-related conditions. This variant is not present in population databases (ExAC no frequency). This sequence change replaces serine with asparagine at codon 815 of the DSG2 protein (p.Ser815Asn). The serine residue is highly conserved and there is a small physicochemical difference between serine and asparagine.

NM_001943.5(DSG2):c.2444G>A (p.Ser815Asn)

Genes: DSG2 (desmoglein 2; plus strand), DSG2-AS1 (DSG2 antisense RNA 1; minus strand). Cytogenetic location: 18q12.1.
Variant type: single nucleotide variant.
Coding change: c.2444G>A on transcript NM_001943.5 (MANE Select); coding-DNA position 2444, G replaced by A.
Protein change: p.Ser815Asn; replaces serine 815 with asparagine.
Molecular consequence: missense variant. On other transcripts: non-coding transcript variant (1).
Genome position (GRCh38, 1-based): chr18:31,545,830, G>A. VCF-style: chr18-31545830-G-A. GRCh37 (hg19) VCF-style: chr18-29125793-G-A.
Other names: short protein forms S815N.
Identifiers: ClinVar variation 1064317 (VCV001064317.9), dbSNP rs2144358945, ClinGen allele CA402144605.